The following is an entry in ClinVar:

ClinVar aggregate classification (germline): Uncertain significance. Review status: criteria provided, multiple submitters, no conflicts (2 of 4 stars). 2 submissions from 2 submitters: Uncertain significance (2). Last evaluated 2024-11-09.

Conditions:
Hereditary cancer-predisposing syndrome. Also called: Neoplastic Syndromes, Hereditary; Hereditary Cancer Syndrome; Tumor predisposition; Hereditary neoplastic syndrome. Identifiers: Orphanet 140162, MedGen C0027672, MeSH D009386, MONDO:0015356.
Neuroblastoma, susceptibility to, 3. Also called: ALK-Related Neuroblastic Tumor Susceptibility. Identifiers: Orphanet 635, MedGen C2751681, MONDO:0013083, OMIM 613014.

Allele frequency attached by ClinVar (database versions not stated): TOPMed below 0.00001.

Submissions (2):

Ambry Genetics
Classification: Uncertain significance for Hereditary cancer-predisposing syndrome. Last evaluated: 2024-11-09. Review status: criteria provided, single submitter. Criteria: Ambry Variant Classification Scheme 2023. Collection method: clinical testing. Allele origin: germline.
Comment: The p.A1595S variant (also known as c.4783G>T), located in coding exon 29 of the ALK gene, results from a G to T substitution at nucleotide position 4783. The alanine at codon 1595 is replaced by serine, an amino acid with similar properties. This amino acid position is conserved. In addition, this alteration is predicted to be tolerated by in silico analysis. Based on the available evidence, the clinical significance of this variant remains unclear.

Labcorp Genetics (formerly Invitae), Labcorp
Classification: Uncertain significance for Neuroblastoma, susceptibility to, 3. Last evaluated: 2020-02-18. Review status: criteria provided, single submitter. Criteria: Invitae Variant Classification Sherloc (09022015). Collection method: clinical testing. Allele origin: germline.
Comment: This sequence change replaces alanine with serine at codon 1595 of the ALK protein (p.Ala1595Ser). The alanine residue is highly conserved and there is a moderate physicochemical difference between alanine and serine. This variant is not present in population databases (ExAC no frequency). This variant has not been reported in the literature in individuals with ALK-related conditions. Algorithms developed to predict the effect of missense changes on protein structure and function are either unavailable or do not agree on the potential impact of this missense change (SIFT: "Deleterious"; PolyPhen-2: "Benign"; Align-GVGD: "Class C0"). In summary, the available evidence is currently insufficient to determine the role of this variant in disease. Therefore, it has been classified as a Variant of Uncertain Significance.

NM_004304.5(ALK):c.4783G>T (p.Ala1595Ser)

Gene: ALK (ALK receptor tyrosine kinase; minus strand). Cytogenetic location: 2p23.2.
Variant type: single nucleotide variant.
Coding change: c.4783G>T on transcript NM_004304.5 (MANE Select); coding-DNA position 4783, G replaced by T.
Protein change: p.Ala1595Ser; replaces alanine 1595 with serine.
Molecular consequence: missense variant.
Genome position (GRCh38, 1-based): chr2:29,193,304, C>A on the plus strand (G>T on the coding strand, the complement: ALK is on the minus strand). VCF-style: chr2-29193304-C-A. GRCh37 (hg19) VCF-style: chr2-29416170-C-A.
Other names: c.1579G>T, p.Ala527Ser (NM_001353765.2); c.4783G>T (NM_004304.4); short protein forms A527S, A1595S.
Identifiers: ClinVar variation 1035773 (VCV001035773.10), dbSNP rs1668921952, ClinGen allele CA346460244.